The following is an entry in ClinVar:

ClinVar aggregate classification (germline): Pathogenic/Likely pathogenic. Review status: criteria provided, multiple submitters, no conflicts (2 of 4 stars). 13 submissions from 12 submitters: Pathogenic (4); Likely pathogenic (6). 3 of the submissions do not count toward it. Last evaluated 2026-01-17.

Conditions:
Sialic acid storage disease, severe infantile type (ISSD). Also called: Infantile Sialic Acid Storage Disease; Free sialic acid storage disease, infantile form; INFANTILE SIALIC ACID STORAGE DISORDER; N-ACETYLNEURAMINIC ACID STORAGE DISEASE; NANA STORAGE DISEASE; SIALURIA, INFANTILE FORM. Identifiers: Orphanet 309324, Orphanet 834, MedGen C1096902, MONDO:0010027, OMIM 269920.
Salla disease (SD). Also called: Sialuria, Finnish type; N-acetylneuraminic acid (NANA) storage disease (NSD); Infantile sialic acid storage disorder (ISSD); Less Severe FSASD (Salla Disease). Identifiers: Orphanet 309334, Orphanet 834, MedGen C1096903, MONDO:0011449, OMIM 604369.

Allele frequency attached by ClinVar (database versions not stated): ExAC 0.00001; gnomAD 0.00001 and 0.00002; gnomAD exomes 0.00001 and 0.00002; TOPMed 0.00001.

Submissions (13):

Labcorp Genetics (formerly Invitae), Labcorp
Classification: Likely pathogenic for Salla disease. Last evaluated: 2026-01-17. Review status: criteria provided, single submitter. Criteria: Invitae Variant Classification Sherloc (09022015). Collection method: clinical testing. Allele origin: germline.
Comment: This sequence change replaces arginine, which is basic and polar, with histidine, which is basic and polar, at codon 39 of the SLC17A5 protein (p.Arg39His). This variant is present in population databases (rs769235753, gnomAD 0.006%). This missense change has been observed in individual(s) with SLC17A5-related conditions (PMID: 27848944, 31130284, 34979677, 35322241, 37527937). ClinVar contains an entry for this variant (Variation ID: 431079). Invitae Evidence Modeling of protein sequence and biophysical properties (such as structural, functional, and spatial information, amino acid conservation, physicochemical variation, residue mobility, and thermodynamic stability) indicates that this missense variant is expected to disrupt SLC17A5 protein function with a positive predictive value of 95%. This variant disrupts the p.Arg39 amino acid residue in SLC17A5. Other variant(s) that disrupt this residue have been determined to be pathogenic (PMID: 10581036, 10947946, 12794688, 15510212, 15516337, 18695252, 21781115). This suggests that this residue is clinically significant, and that variants that disrupt this residue are likely to be disease-causing. In summary, the currently available evidence indicates that the variant is pathogenic, but additional data are needed to prove that conclusively. Therefore, this variant has been classified as Likely Pathogenic.

Natera, Inc.
Classification: Likely pathogenic for Salla disease. Last evaluated: 2025-04-07. Review status: criteria provided, single submitter. Criteria: Natera Variant Classification Schema (03/2026). Collection method: clinical testing. Allele origin: germline.
Comment: The c.116G>A variant in SLC17A5 is a missense variant predicted to cause substitution of arginine to histidine at amino acid 39. This variant is rare in the general population with a frequency below the threshold expected for the associated phenotype(s). This variant has been observed in one or more individuals affected with the associated recessive disease, as either homozygous or compound heterozygous with a second variant (PMID: 34979677, 29472023, 27848944). A different variant at the same position has been determined to be Pathogenic or Likely Pathogenic. Computational prediction algorithms indicate this variant is likely to affect gene or protein function. Given the available evidence, this variant is classified as Likely Pathogenic.

Genomic Medicine Center of Excellence, King Faisal Specialist Hospital and Research Centre
Classification: Likely pathogenic for Salla disease. Last evaluated: 2024-03-17. Review status: criteria provided, single submitter. Criteria: ACMG Guidelines, 2015. Collection method: research. Allele origin: germline.

Fulgent Genetics
Classification: Likely pathogenic for Sialic acid storage disease, severe infantile type; Salla disease. Last evaluated: 2024-03-14. Review status: criteria provided, single submitter. Criteria: ACMG Guidelines, 2015. Collection method: clinical testing. Allele origin: germline.

Baylor Genetics
Classification: Pathogenic for Salla disease. Last evaluated: 2024-03-07. Review status: criteria provided, single submitter. Criteria: ACMG Guidelines, 2015. Collection method: clinical testing. Allele origin: unknown.

3billion
Classification: Pathogenic for Salla disease. Last evaluated: 2023-06-12. Review status: criteria provided, single submitter. Criteria: ACMG Guidelines, 2015. Collection method: clinical testing. Allele origin: germline. Affected: yes.
Comment: The variant is observed at an extremely low frequency in the gnomAD v2.1.1 dataset (total allele frequency: 0.001%). Predicted Consequence/Location: Missense variant In silico tool predictions suggest damaging effect of the variant on gene or gene product (REVEL: 0.57; 3Cnet: 0.91). Same nucleotide change resulting in same amino acid change (ClinVar ID: VCV000431079 /PMID: 27848944) and a different missense change at the same codon (p.Arg39Cys / ClinVar ID: VCV000005615 /PMID: 10581036) have been previously reported as pathogenic/likely pathogenic with strong evidence. Therefore, this variant is classified as Pathogenic according to the recommendation of ACMG/AMP guideline.

Neuberg Centre For Genomic Medicine, NCGM
Classification: Pathogenic for Sialic acid storage disease, severe infantile type. Last evaluated: 2023-05-20. Review status: criteria provided, single submitter. Criteria: ACMG Guidelines, 2015. Collection method: clinical testing. Allele origin: germline. Inheritance: Autosomal recessive inheritance. Affected: yes.
Comment: The observed missense c.116G>A(p.Arg39His) variant in SLC17A5 gene has been reported previously in homozygous or compound heterozygous state in individual(s) affected with sialic acid storage disorders (Hu et al., 2023). This variant is reported with the allele frequency of 0.001% in the gnomAD Exomes. This variant has been reported to the ClinVar database as Pathogenic / Likely Pathogenic (multiple submitters). The amino acid Arg at position 39 is changed to a His changing protein sequence and it might alter its composition and physico-chemical properties. The amino acid change p.Arg39His in SLC17A5 is predicted as conserved by GERP++ and PhyloP across 100 vertebrates. Multiple lines of computational evidence (Polyphen - Probably damaging, SIFT - Damaging, and MutationTaster - Disease causing) predict a damaging effect on protein structure and function for this variant. This variant disrupts the p.Arg39 amino acid residue in SLC17A5. Other variant(s) that disrupt this residue have been determined to be pathogenic (Miyaji et al., 2011). For these reasons, this variant has been classified as Pathogenic.

Genome-Nilou Lab
Classification: Likely pathogenic for Salla disease. Last evaluated: 2021-09-05. Review status: criteria provided, single submitter. Criteria: ACMG Guidelines, 2015. Collection method: clinical testing. Allele origin: germline. Affected: no.

GeneDx
Classification: Likely pathogenic. Last evaluated: 2020-06-30. Review status: criteria provided, single submitter. Criteria: GeneDx Variant Classification Process June 2021. Collection method: clinical testing. Allele origin: germline. Affected: yes.
Comment: Not observed at a significant frequency in large population cohorts (Lek et al., 2016); In silico analysis supports that this missense variant has a deleterious effect on protein structure/function; This variant is associated with the following publications: (PMID: 31130284, 27848944, 29472023)

Baylor Genetics
Classification: Pathogenic for Sialic acid storage disease, severe infantile type. Last evaluated: 2019-11-04. Review status: criteria provided, single submitter. Criteria: ACMG Guidelines, 2015. Collection method: clinical testing. Allele origin: unknown. Affected: yes.
Comment: This variant was determined to be pathogenic according to ACMG Guidelines, 2015 [PMID:25741868].

Counsyl
Classification: Likely pathogenic for Salla disease. Last evaluated: 2017-11-30. Review status: no assertion criteria provided. Collection method: clinical testing. Allele origin: unknown. Not counted in ClinVar's aggregate classification.

Foundation for Research in Genetics and Endocrinology, FRIGE's Institute of Human Genetics
Classification: Likely pathogenic for Salla disease. Last evaluated: 2016-10-13. Review status: no assertion criteria provided. Collection method: clinical testing. Allele origin: germline. Inheritance: Autosomal recessive inheritance. Affected: yes. Observed: 1 variant allele, 1 homozygote. Not counted in ClinVar's aggregate classification.
Comment: This variant is not present in the 1000 Genomes database and has a minor allele frequency of less than 0.001% in the ExAC database. This variant is predicted to be damaging by SIFT, LRT, PolyPhen and Mutation Taster.

Genomics England Pilot Project, Genomics England
Classification: Likely pathogenic for Sialic acid storage disease, severe infantile type. Review status: no assertion criteria provided. Criteria: ACGS Guidelines, 2016. Collection method: clinical testing. Allele origin: germline. Affected: yes. Not counted in ClinVar's aggregate classification.

Literature cited by the submitters: PubMed 27848944 (cited by 4 submitters); PubMed 31130284 (cited by Labcorp Genetics (formerly Invitae), Labcorp); PubMed 34979677 (cited by Labcorp Genetics (formerly Invitae), Labcorp and Natera, Inc.); PubMed 35322241 (cited by Labcorp Genetics (formerly Invitae), Labcorp); PubMed 37527937 (cited by Labcorp Genetics (formerly Invitae), Labcorp); PubMed 10581036 (cited by Labcorp Genetics (formerly Invitae), Labcorp and 3billion); PubMed 10947946 (cited by Labcorp Genetics (formerly Invitae), Labcorp); PubMed 12794688 (cited by Labcorp Genetics (formerly Invitae), Labcorp); PubMed 15510212 (cited by Labcorp Genetics (formerly Invitae), Labcorp); PubMed 15516337 (cited by Labcorp Genetics (formerly Invitae), Labcorp); PubMed 18695252 (cited by Labcorp Genetics (formerly Invitae), Labcorp); PubMed 21781115 (cited by Labcorp Genetics (formerly Invitae), Labcorp); PubMed 29472023 (cited by Natera, Inc.).

NM_012434.5(SLC17A5):c.116G>A (p.Arg39His)

Gene: SLC17A5 (solute carrier family 17 member 5; minus strand). Cytogenetic location: 6q13.
Variant type: single nucleotide variant.
Coding change: c.116G>A on transcript NM_012434.5 (MANE Select); coding-DNA position 116, G replaced by A.
Protein change: p.Arg39His; replaces arginine 39 with histidine.
Molecular consequence: missense variant.
Genome position (GRCh38, 1-based): chr6:73,644,582, C>T on the plus strand (G>A on the coding strand, the complement: SLC17A5 is on the minus strand). VCF-style: chr6-73644582-C-T. GRCh37 (hg19) VCF-style: chr6-74354305-C-T.
Other names: short protein forms R39H.
Identifiers: ClinVar variation 431079 (VCV000431079.25), dbSNP rs769235753, ClinGen allele CA3890602.